The following is an entry in ClinVar:

ClinVar aggregate classification (germline): Uncertain significance. Review status: criteria provided, multiple submitters, no conflicts (2 of 4 stars). 2 submissions from 2 submitters: Uncertain significance (2). Last evaluated 2024-01-25.

Conditions:
Hereditary cancer-predisposing syndrome. Also called: Tumor predisposition; Neoplastic Syndromes, Hereditary; Hereditary Cancer Syndrome; Hereditary neoplastic syndrome. Identifiers: Orphanet 140162, MedGen C0027672, MeSH D009386, MONDO:0015356.
Neuroblastoma, susceptibility to, 3. Also called: ALK-Related Neuroblastic Tumor Susceptibility. Identifiers: Orphanet 635, MedGen C2751681, MONDO:0013083, OMIM 613014.

Submissions (2):

Ambry Genetics
Classification: Uncertain significance for Hereditary cancer-predisposing syndrome. Last evaluated: 2024-01-25. Review status: criteria provided, single submitter. Criteria: Ambry Variant Classification Scheme 2023. Collection method: clinical testing. Allele origin: germline.
Comment: The p.P213T variant (also known as c.637C>A), located in coding exon 1 of the ALK gene, results from a C to A substitution at nucleotide position 637. The proline at codon 213 is replaced by threonine, an amino acid with highly similar properties. This amino acid position is conserved. In addition, this alteration is predicted to be deleterious by in silico analysis. Based on the available evidence, the clinical significance of this alteration remains unclear.

Baylor Genetics
Classification: Uncertain significance for Neuroblastoma, susceptibility to, 3. Last evaluated: 2023-07-28. Review status: criteria provided, single submitter. Criteria: ACMG Guidelines, 2015. Collection method: clinical testing. Allele origin: unknown.

NM_004304.5(ALK):c.637C>A (p.Pro213Thr)

Gene: ALK (ALK receptor tyrosine kinase; minus strand). Cytogenetic location: 2p23.1.
Variant type: single nucleotide variant.
Coding change: c.637C>A on transcript NM_004304.5 (MANE Select); coding-DNA position 637, C replaced by A.
Protein change: p.Pro213Thr; replaces proline 213 with threonine.
Molecular consequence: missense variant.
Genome position (GRCh38, 1-based): chr2:29,920,023, G>T on the plus strand (C>A on the coding strand, the complement: ALK is on the minus strand). VCF-style: chr2-29920023-G-T. GRCh37 (hg19) VCF-style: chr2-30142889-G-T.
Other names: c.637C>A (NM_004304.4); short protein forms P213T.
Identifiers: ClinVar variation 2676083 (VCV002676083.2), dbSNP rs2148442833, ClinGen allele CA346589641.